The following is an entry in ClinVar:

NM_007214.5(SEC63):c.1111C>T (p.Gln371Ter)

Gene: SEC63 (SEC63 protein translocation regulator; minus strand). Cytogenetic location: 6q21.
Variant type: single nucleotide variant.
Coding change: c.1111C>T on transcript NM_007214.5 (MANE Select); coding-DNA position 1111, C replaced by T.
Protein change: p.Gln371Ter; replaces glutamine 371 with a stop codon.
Molecular consequence: nonsense.
Genome position (GRCh38, 1-based): chr6:107,902,942, G>A on the plus strand (C>T on the coding strand, the complement: SEC63 is on the minus strand). VCF-style: chr6-107902942-G-A. GRCh37 (hg19) VCF-style: chr6-108224146-G-A.
Other names: short protein forms Q371*.
Identifiers: ClinVar variation 2050280 (VCV002050280.4), dbSNP rs1381162017, ClinGen allele CA365182534.

ClinVar aggregate classification (germline): Pathogenic (1 of 4 stars; one submission).

Allele frequency attached by ClinVar (database versions not stated): gnomAD exomes below 0.00001.

Submission:

Labcorp Genetics (formerly Invitae), Labcorp
Classification: Pathogenic. Last evaluated: 2021-12-20. Review status: criteria provided, single submitter. Criteria: Invitae Variant Classification Sherloc (09022015). Collection method: clinical testing. Allele origin: germline.
Comment: This variant is not present in population databases (gnomAD no frequency). This sequence change creates a premature translational stop signal (p.Gln371*) in the SEC63 gene. It is expected to result in an absent or disrupted protein product. Loss-of-function variants in SEC63 are known to be pathogenic (PMID: 20095989, 28375157). This variant has not been reported in the literature in individuals affected with SEC63-related conditions. For these reasons, this variant has been classified as Pathogenic.

Literature cited by the submitters: PubMed 20095989; PubMed 28375157.